The following is an entry in ClinVar:

ClinVar aggregate classification (germline): Likely benign (1 of 4 stars; one submission).

Submission:

CeGaT Center for Human Genetics Tuebingen
Classification: Likely benign. Last evaluated: 2026-08-01. Review status: criteria provided, single submitter. Criteria: CeGaT Center For Human Genetics Tuebingen Variant Classification Criteria Version 2. Collection method: clinical testing. Allele origin: germline. Affected: yes. Observed: 3 variant alleles.
Comment: CBL: BS2

NC_000011.10:g.119206259C>T

Genes: CBL (Cbl proto-oncogene; plus strand), LOC130006894 (ATAC-STARR-seq lymphoblastoid silent region 3974; plus strand). Cytogenetic location: 11q23.3.
Variant type: single nucleotide variant.
Genome position: GRCh38 VCF-style: chr11-119206259-C-T. GRCh37 (hg19) VCF-style: chr11-119076969-C-T.
Identifiers: ClinVar variation 3905698 (VCV003905698.10).